The following is an entry in ClinVar:

NM_000102.4(CYP17A1):c.529A>G (p.Asn177Asp)

Gene: CYP17A1 (cytochrome P450 family 17 subfamily A member 1; minus strand). Cytogenetic location: 10q24.32.
Variant type: single nucleotide variant.
Coding change: c.529A>G on transcript NM_000102.4 (MANE Select); coding-DNA position 529, A replaced by G.
Protein change: p.Asn177Asp; replaces asparagine 177 with aspartic acid.
Molecular consequence: missense variant.
Genome position (GRCh38, 1-based): chr10:102,834,922, T>C on the plus strand (A>G on the coding strand, the complement: CYP17A1 is on the minus strand). VCF-style: chr10-102834922-T-C. GRCh37 (hg19) VCF-style: chr10-104594679-T-C.
Other names: short protein forms N177D.
Identifiers: ClinVar variation 4817440 (VCV004817440.1).

ClinVar aggregate classification (germline): Likely pathogenic (1 of 4 stars; one submission).

Conditions:
Deficiency of steroid 17-alpha-monooxygenase. Also called: ADRENAL HYPERPLASIA V; 17-ALPHA-HYDROXYLASE DEFICIENCY; Congenital adrenal hyperplasia due to 17-alpha-hydroxylase deficiency; Congenital adrenal hyperplasia type 5; 17-alpha-hydroxylase/17,20-lyase deficiency. Identifiers: Orphanet 90793, MedGen C0268285, MONDO:0008730, OMIM 202110.

Submission:

Natera, Inc.
Classification: Likely pathogenic for Deficiency of steroid 17-alpha-monooxygenase. Last evaluated: 2025-10-31. Review status: criteria provided, single submitter. Criteria: Natera Variant Classification Schema (03/2026). Collection method: clinical testing. Allele origin: germline.
Comment: The c.529A>G variant in CYP17A1 is a missense variant predicted to cause substitution of asparagine to aspartic acid at amino acid 177. This variant is rare in the general population with a frequency below the threshold expected for the associated phenotype(s). This variant has been observed in one or more individuals affected with the associated recessive disease, as either homozygous or compound heterozygous with a second variant (PMID: 10720067). Functional studies show that this variant may disrupt protein function (PMID: 10720067). Computational prediction algorithms indicate this variant is likely to affect gene or protein function. Given the available evidence, this variant is classified as Likely Pathogenic.

Literature cited by the submitters: PubMed 10720067.